The following is an entry in ClinVar:

NM_152269.5(MTRFR):c.333C>A (p.Ile111=)

Gene: MTRFR (mitochondrial translation release factor in rescue; plus strand). Cytogenetic location: 12q24.31.
Variant type: single nucleotide variant.
Coding change: c.333C>A on transcript NM_152269.5 (MANE Select); coding-DNA position 333, C replaced by A.
Protein change: p.Ile111=; no amino-acid change (isoleucine 111 retained).
Molecular consequence: synonymous variant.
Genome position (GRCh38, 1-based): chr12:123,256,863, C>A. VCF-style: chr12-123256863-C-A. GRCh37 (hg19) VCF-style: chr12-123741410-C-A.
Other names: c.333C>A, p.Ile111= (NM_001143905.2, NM_001194995.1).
Identifiers: ClinVar variation 1344257 (VCV001344257.31), dbSNP rs769551356, ClinGen allele CA6856585.

ClinVar aggregate classification (germline): Conflicting classifications of pathogenicity. Review status: criteria provided, conflicting classifications (1 of 4 stars). 3 submissions from 3 submitters: Uncertain significance (1); Likely benign (2). Last evaluated 2025-02-13.

Conditions:
Spastic paraplegia. Identifiers: MedGen C0037772, HP:0001258.
Combined oxidative phosphorylation defect type 7. Identifiers: Orphanet 254930, MedGen C3150801, MONDO:0013306, OMIM 613559.
Hereditary spastic paraplegia. Also called: Familial spastic paraparesis. Identifiers: Orphanet 685, MedGen C0037773, MONDO:0019064. Disease mechanism: loss of function.

Allele frequency attached by ClinVar (database versions not stated): gnomAD 0.00001; gnomAD exomes 0.00001 and 0.00003; TOPMed 0.00001; ExAC 0.00005.
gnomAD v4.1: 25 of 1,613,738 alleles (0.0015%); highest among the groups gnomAD compares: Middle Eastern, 0.016%; no homozygotes.

Submissions (3):

Labcorp Genetics (formerly Invitae), Labcorp
Classification: Likely benign for Combined oxidative phosphorylation defect type 7; Spastic paraplegia. Last evaluated: 2025-02-13. Review status: criteria provided, single submitter. Criteria: Invitae Variant Classification Sherloc (09022015). Collection method: clinical testing. Allele origin: germline.

CeGaT Center for Human Genetics Tuebingen
Classification: Likely benign. Last evaluated: 2022-07-01. Review status: criteria provided, single submitter. Criteria: CeGaT Center For Human Genetics Tuebingen Variant Classification Criteria Version 2. Collection method: clinical testing. Allele origin: germline. Affected: yes. Observed: 1 variant allele.
Comment: MTRFR: BP4, BP7

Genome Diagnostics Laboratory, The Hospital for Sick Children
Classification: Uncertain significance for Hereditary spastic paraplegia. Last evaluated: 2020-01-01. Review status: criteria provided, single submitter. Criteria: ACMG Guidelines, 2015. Collection method: clinical testing. Allele origin: germline. Affected: yes.